The following is an entry in ClinVar:

NM_182641.4(BPTF):c.5960C>T (p.Thr1987Ile)

Gene: BPTF (bromodomain PHD finger transcription factor; plus strand). Cytogenetic location: 17q24.2.
Variant type: single nucleotide variant.
Coding change: c.5960C>T on transcript NM_182641.4 (MANE Select); coding-DNA position 5960, C replaced by T.
Protein change: p.Thr1987Ile; replaces threonine 1987 with isoleucine.
Molecular consequence: missense variant.
Genome position (GRCh38, 1-based): chr17:67,928,563, C>T. VCF-style: chr17-67928563-C-T. GRCh37 (hg19) VCF-style: chr17-65924679-C-T.
Other names: c.6338C>T, p.Thr2113Ile (NM_004459.7); short protein forms T1987I, T2113I.
Identifiers: ClinVar variation 2504937 (VCV002504937.1), dbSNP rs2511980828, ClinGen allele CA400717279.
Genomic context (GRCh38, chr17:67,928,563, plus strand): 5'-CTACTAAAGTTGGATCTCCAGCTACAGTAACATTCCAACAAAACAAGAACTTTCATCAAA[C>T]CTTTGCTACATGGGTTAAGCAAGGCCAGTCAAATTCAGGTATGGAACTATCATTAAGTAA-3'
Protein context (NP_872579.2, residues 1977-1997): TFQQNKNFHQ[Thr1987Ile]FATWVKQGQS

ClinVar aggregate classification (germline): Uncertain significance (1 of 4 stars; one submission).

Submission:

GeneDx
Classification: Uncertain significance. Last evaluated: 2022-12-07. Review status: criteria provided, single submitter. Criteria: GeneDx Variant Classification Process June 2021. Collection method: clinical testing. Allele origin: germline. Affected: yes.
Comment: Not observed at significant frequency in large population cohorts (gnomAD); In silico analysis supports that this missense variant has a deleterious effect on protein structure/function; Has not been previously published as pathogenic or benign to our knowledge